The following is an entry in ClinVar:

NM_004655.4(AXIN2):c.2222G>A (p.Ser741Asn)

Gene: AXIN2 (axin 2; minus strand). Cytogenetic location: 17q24.1.
Variant type: single nucleotide variant.
Coding change: c.2222G>A on transcript NM_004655.4 (MANE Select); coding-DNA position 2222, G replaced by A.
Protein change: p.Ser741Asn; replaces serine 741 with asparagine.
Molecular consequence: missense variant.
Genome position (GRCh38, 1-based): chr17:65,535,641, C>T on the plus strand (G>A on the coding strand, the complement: AXIN2 is on the minus strand). VCF-style: chr17-65535641-C-T. GRCh37 (hg19) VCF-style: chr17-63531759-C-T.
Other names: c.2222G>A (LRG_296t1); c.2027G>A, p.Ser676Asn (NM_001363813.1); short protein forms S741N, S676N.
Identifiers: ClinVar variation 408795 (VCV000408795.18), dbSNP rs781309325, ClinGen allele CA8718371.

ClinVar aggregate classification (germline): Conflicting classifications of pathogenicity. Review status: criteria provided, conflicting classifications (1 of 4 stars). 6 submissions from 6 submitters: Uncertain significance (5); Likely benign (1). Last evaluated 2026-01-19.

Conditions:
Colorectal cancer. Also called: Colorectal cancer, somatic; Malignant Colorectal Neoplasm. Identifiers: MedGen C0346629, MONDO:0005575, OMIM 114500.
Hereditary cancer-predisposing syndrome. Also called: Hereditary Cancer Syndrome; Hereditary neoplastic syndrome; Neoplastic Syndromes, Hereditary; Tumor predisposition. Identifiers: Orphanet 140162, MedGen C0027672, MeSH D009386, MONDO:0015356.
Oligodontia-cancer predisposition syndrome. Also called: TOOTH AGENESIS-COLORECTAL CANCER SYNDROME. Identifiers: Orphanet 300576, MedGen C1837750, MONDO:0012075, OMIM 608615. Disease mechanism: loss of function.

Allele frequency attached by ClinVar (database versions not stated): TOPMed below 0.00001; gnomAD 0.00001; gnomAD exomes 0.00001; ExAC 0.00002.
gnomAD v4.1: 9 of 1,614,056 alleles (0.00056%); highest among the groups gnomAD compares: Non-Finnish European, 0.00076%; no homozygotes.

Submissions (6):

Labcorp Genetics (formerly Invitae), Labcorp
Classification: Uncertain significance for Oligodontia-cancer predisposition syndrome. Last evaluated: 2026-01-19. Review status: criteria provided, single submitter. Criteria: Invitae Variant Classification Sherloc (09022015). Collection method: clinical testing. Allele origin: germline.
Comment: This sequence change replaces serine, which is neutral and polar, with asparagine, which is neutral and polar, at codon 741 of the AXIN2 protein (p.Ser741Asn). This variant is present in population databases (rs781309325, gnomAD 0.002%). This variant has not been reported in the literature in individuals affected with AXIN2-related conditions. ClinVar contains an entry for this variant (Variation ID: 408795). An algorithm developed to predict the effect of missense changes on protein structure and function (PolyPhen-2) suggests that this variant is likely to be tolerated. In summary, the available evidence is currently insufficient to determine the role of this variant in disease. Therefore, it has been classified as a Variant of Uncertain Significance.

Molecular Pathology, Peter Maccallum Cancer Centre
Classification: Uncertain significance for Oligodontia-cancer predisposition syndrome. Last evaluated: 2025-05-28. Review status: criteria provided, single submitter. Criteria: ACMG Guidelines, 2015. Collection method: clinical testing. Allele origin: germline. Inheritance: Autosomal dominant inheritance.

Center for Genomic Medicine, Rigshospitalet, Copenhagen University Hospital
Classification: Uncertain significance. Last evaluated: 2025-03-04. Review status: criteria provided, single submitter. Criteria: ACMG Guidelines, 2015. Collection method: clinical testing. Allele origin: germline.

Ambry Genetics
Classification: Likely benign for Hereditary cancer-predisposing syndrome. Last evaluated: 2024-01-31. Review status: criteria provided, single submitter. Criteria: Ambry Variant Classification Scheme 2023. Collection method: clinical testing. Allele origin: germline.

Baylor Genetics
Classification: Uncertain significance for Colorectal cancer. Last evaluated: 2023-05-16. Review status: criteria provided, single submitter. Criteria: ACMG Guidelines, 2015. Collection method: clinical testing. Allele origin: unknown.

Sema4
Classification: Uncertain significance for Hereditary cancer-predisposing syndrome. Last evaluated: 2021-09-16. Review status: criteria provided, single submitter. Criteria: Sema4 Curation Guidelines. Collection method: curation. Allele origin: germline.
Comment: The AXIN2 c.2222G>A (p.S741N) variant has not been reported in the literature to our knowledge. It was observed in 2/113728 chromosomes of the European (non-Finnish) subpopulation in the large and broad cohorts of the Genome Aggregation Database (PMID: 32461654). This variant has been reported in ClinVar (Variation ID 408795). In silico tools suggest the impact of the variant on protein function is benign, though these predictions have not been confirmed by functional studies. The evidence is insufficient to meet ACMG/AMP criteria for classifying the variant as benign or pathogenic. Thus, the clinical significance of this variant is currently uncertain.